The following is an entry in ClinVar:

ClinVar aggregate classification (germline): Uncertain significance. Review status: criteria provided, multiple submitters, no conflicts (2 of 4 stars). 2 submissions from 2 submitters: Uncertain significance (2). Last evaluated 2025-04-03.

Allele frequency attached by ClinVar (database versions not stated): gnomAD exomes below 0.00001.
gnomAD v4.1: 3 of 1,612,876 alleles (0.00019%); highest among the groups gnomAD compares: Non-Finnish European, 0.00025%; no homozygotes.

Submissions (2):

GeneDx
Classification: Uncertain significance. Last evaluated: 2025-04-03. Review status: criteria provided, single submitter. Criteria: GeneDx Variant Classification Process June 2021. Collection method: clinical testing. Allele origin: germline. Affected: yes.
Comment: Not observed at significant frequency in large population cohorts (gnomAD); In silico analysis supports that this missense variant has a deleterious effect on protein structure/function; Has not been previously published as pathogenic or benign to our knowledge

Labcorp Genetics (formerly Invitae), Labcorp
Classification: Uncertain significance. Last evaluated: 2023-10-03. Review status: criteria provided, single submitter. Criteria: Invitae Variant Classification Sherloc (09022015). Collection method: clinical testing. Allele origin: germline.
Comment: This sequence change replaces proline, which is neutral and non-polar, with serine, which is neutral and polar, at codon 704 of the COL11A1 protein (p.Pro704Ser). This variant is not present in population databases (gnomAD no frequency). This variant has not been reported in the literature in individuals affected with COL11A1-related conditions. Advanced modeling of protein sequence and biophysical properties (such as structural, functional, and spatial information, amino acid conservation, physicochemical variation, residue mobility, and thermodynamic stability) performed at Invitae indicates that this missense variant is not expected to disrupt COL11A1 protein function. In summary, the available evidence is currently insufficient to determine the role of this variant in disease. Therefore, it has been classified as a Variant of Uncertain Significance.

NM_001854.4(COL11A1):c.2110C>T (p.Pro704Ser)

Gene: COL11A1 (collagen type XI alpha 1 chain; minus strand). Cytogenetic location: 1p21.1.
Variant type: single nucleotide variant.
Coding change: c.2110C>T on transcript NM_001854.4 (MANE Select); coding-DNA position 2110, C replaced by T.
Protein change: p.Pro704Ser; replaces proline 704 with serine.
Molecular consequence: missense variant. On other transcripts: non-coding transcript variant (1).
Genome position (GRCh38, 1-based): chr1:103,001,957, G>A on the plus strand (C>T on the coding strand, the complement: COL11A1 is on the minus strand). VCF-style: chr1-103001957-G-A. GRCh37 (hg19) VCF-style: chr1-103467513-G-A.
Other names: c.1762C>T, p.Pro588Ser (NM_001168249.1, NM_080630.4); c.2110C>T (NM_001854.3); c.1993C>T, p.Pro665Ser (NM_001190709.2); c.2146C>T, p.Pro716Ser (NM_080629.3); short protein forms P716S, P588S, P665S, P704S.
Identifiers: ClinVar variation 2898187 (VCV002898187.4), dbSNP rs2525351139, ClinGen allele CA341170482.